The following is an entry in ClinVar:

NM_015278.5(SASH1):c.1525G>A (p.Glu509Lys)

Gene: SASH1 (SAM and SH3 domain containing 1; plus strand). Cytogenetic location: 6q25.1.
Variant type: single nucleotide variant.
Coding change: c.1525G>A on transcript NM_015278.5 (MANE Select); coding-DNA position 1525, G replaced by A.
Protein change: p.Glu509Lys; replaces glutamic acid 509 with lysine.
Molecular consequence: missense variant.
Genome position (GRCh38, 1-based): chr6:148,531,622, G>A. VCF-style: chr6-148531622-G-A. GRCh37 (hg19) VCF-style: chr6-148852758-G-A.
Other names: c.1390G>A, p.Glu464Lys (NM_001346505.2); c.1153G>A, p.Glu385Lys (NM_001346506.2); c.808G>A, p.Glu270Lys (NM_001346507.2); c.1297G>A, p.Glu433Lys (NM_001346508.2); c.1174G>A, p.Glu392Lys (NM_001346509.2); short protein forms E509K, E385K, E392K, E433K, E464K, E270K.
Identifiers: ClinVar variation 624627 (VCV000624627.2), dbSNP rs1562489156, ClinGen allele CA365987364.

ClinVar aggregate classification (germline): Likely pathogenic. Review status: criteria provided, single submitter (1 of 4 stars). 2 submissions from 2 submitters: Likely pathogenic (1). 1 of the submissions does not count toward it. Last evaluated 2019-10-18.

Conditions:
Dyschromatosis universalis hereditaria 1 (DUH1). Identifiers: MedGen C2675711, MONDO:0024524, OMIM 127500.

Submissions (2):

SIB Swiss Institute of Bioinformatics
Classification: Likely pathogenic for Dyschromatosis universalis hereditaria 1. Last evaluated: 2019-10-18. Review status: criteria provided, single submitter. Criteria: ACMG Guidelines, 2015. Collection method: curation. Allele origin: unknown.
Comment: This variant is interpreted as Likely pathogenic for Dyschromatosis universalis hereditaria 1, autosomal dominant. The following ACMG Tag(s) were applied: PM2, PP3, PS3.

OMIM
Classification: Pathogenic for DYSCHROMATOSIS UNIVERSALIS HEREDITARIA 1. Last evaluated: 2019-03-29. Review status: no assertion criteria provided. Collection method: literature only. Allele origin: germline. Not counted in ClinVar's aggregate classification.

Literature cited by the submitters: PubMed 23333244 (cited by SIB Swiss Institute of Bioinformatics and OMIM); PubMed 27885802 (cited by SIB Swiss Institute of Bioinformatics and OMIM).